The following is an entry in ClinVar:

NM_004287.5(GOSR2):c.186_187del (p.Arg63fs)

Genes: GOSR2 (golgi SNAP receptor complex member 2; plus strand), LRRC37A2 (leucine rich repeat containing 37 member A2), LOC126862578 (BRD4-independent group 4 enhancer GRCh37_chr17:45008344-45009543; plus strand). Cytogenetic location: 17q21.32.
Variant type: Deletion.
Coding change: c.186_187del on transcript NM_004287.5 (MANE Select); coding-DNA positions 186 to 187, 2 bases deleted (AA; older notation c.186_187delAA).
Protein change: p.Arg63fs; shifts the reading frame from arginine 63.
Molecular consequence: frameshift variant. On other transcripts: non-coding transcript variant (3).
Genome position (GRCh38, 1-based): chr17:46,931,190-46,931,191, AA deleted; deleting any 2 consecutive bases within chr17:46,931,188-46,931,191 gives the same sequence; the c. name uses the placement nearest the transcript's 3' end. VCF-style (leftmost placement, unchanged base first): chr17-46931187-CAA-C. GRCh37 (hg19) VCF-style: chr17-45008553-CAA-C.
Other names: c.186_187del, p.Arg63fs (NM_001012511.3, NM_001321133.2, NM_001330252.2 and 1 more transcripts); c.132_133del, p.Arg45fs (NM_001321134.2, NM_001363851.2); c.183_184del, p.Arg62fs (NM_001353114.2, NM_001353115.2, NM_001353116.2); short protein forms R62fs, R63fs, R45fs.
Identifiers: ClinVar variation 2748845 (VCV002748845.3), dbSNP rs772523876, ClinGen allele CA2697560058.
Genomic context (GRCh38, chr17:46,931,187, plus strand): 5'-AGACCAGATATTCAGCCGTCTAGAACGTCTGGAGATTTTGTCCAGCAAGGAGCCCCCTAA[CAA>C]AAGGCAAAATGCCAGACTGTAAGTGCTGACCTCTGACATGGCTCTGATACTCCAGGCCCA-3'

ClinVar aggregate classification (germline): Pathogenic (1 of 4 stars; one submission).

Conditions:
Progressive myoclonic epilepsy. Also called: Familial progressive myoclonic epilepsy; Myoclonic Epilepsies, Progressive; Progressive myoclonus epilepsy; Myoclonus epilepsy. Identifiers: Orphanet 308, Orphanet 98261, MedGen C0751778, MONDO:0020074.

Submission:

Labcorp Genetics (formerly Invitae), Labcorp
Classification: Pathogenic for Progressive myoclonic epilepsy. Last evaluated: 2023-10-10. Review status: criteria provided, single submitter. Criteria: Invitae Variant Classification Sherloc (09022015). Collection method: clinical testing. Allele origin: germline.
Comment: This sequence change creates a premature translational stop signal (p.Arg63Alafs*8) in the GOSR2 gene. It is expected to result in an absent or disrupted protein product. Loss-of-function variants in GOSR2 are known to be pathogenic (PMID: 21549339). This variant is not present in population databases (gnomAD no frequency). This variant has not been reported in the literature in individuals affected with GOSR2-related conditions. For these reasons, this variant has been classified as Pathogenic.

Literature cited by the submitters: PubMed 21549339.